The following is an entry in ClinVar:

ClinVar aggregate classification (germline): Likely pathogenic (1 of 4 stars; one submission).

Conditions:
Autosomal recessive limb-girdle muscular dystrophy. Identifiers: Orphanet 102015, MedGen C2931907, MONDO:0015152.

Submission:

Myriad Genetics, Inc.
Classification: Likely pathogenic for Autosomal recessive limb-girdle muscular dystrophy. Last evaluated: 2022-05-18. Review status: criteria provided, single submitter. Criteria: Myriad Autosomal Dominant, Autosomal Recessive and X-Linked Classification Criteria (2023). Collection method: clinical testing. Allele origin: unknown.
Comment: NM_003494.3(DYSF):c.5050_5051delTA(Y1684Lfs*26) is expected to be pathogenic in the context of dysferlinopathy. This variant is predicted to lead to an abnormal or absent protein product due to the creation of a premature termination codon in DYSF, a gene where loss-of-function variants are known to be pathogenic. Please note: this variant was assessed in the context of healthy population screening.

NM_001130987.2(DYSF):c.5167_5168del (p.Tyr1723fs)

Gene: DYSF (dysferlin; plus strand). Cytogenetic location: 2p13.2.
Variant type: Deletion.
Coding change: c.5167_5168del on transcript NM_001130987.2 (MANE Select); coding-DNA positions 5167 to 5168, 2 bases deleted (TA; older notation c.5167_5168delTA).
Protein change: p.Tyr1723fs; shifts the reading frame from tyrosine 1723.
Molecular consequence: frameshift variant.
Genome position (GRCh38, 1-based): chr2:71,664,431-71,664,432, TA deleted. VCF-style (leftmost placement, unchanged base first): chr2-71664430-CTA-C. GRCh37 (hg19) VCF-style: chr2-71891560-CTA-C.
Other names: c.5146_5147del, p.Tyr1716fs (NM_001130982.2); c.5116_5117del, p.Tyr1706fs (NM_001130983.2); c.5074_5075del, p.Tyr1692fs (NM_001130984.2); c.5104_5105del, p.Tyr1702fs (NM_001130985.2); c.5011_5012del, p.Tyr1671fs (NM_001130986.2); c.5050_5051del, p.Tyr1684fs (NM_003494.4); c.5053_5054del, p.Tyr1685fs (NM_001130455.2); c.5008_5009del, p.Tyr1670fs (NM_001130976.2); and 5 more; short protein forms Y1670fs, Y1671fs, Y1684fs, Y1685fs, Y1691fs, Y1692fs, Y1701fs, Y1702fs.
Identifiers: ClinVar variation 1726114 (VCV001726114.3), dbSNP rs2546541038, ClinGen allele CA2580067922.